The following is an entry in ClinVar:

NM_001365276.2(TNXB):c.9366T>G (p.His3122Gln)

Gene: TNXB (tenascin XB; minus strand). Cytogenetic location: 6p21.33.
Variant type: single nucleotide variant.
Coding change: c.9366T>G on transcript NM_001365276.2 (MANE Select); coding-DNA position 9366, T replaced by G.
Protein change: p.His3122Gln; replaces histidine 3122 with glutamine.
Molecular consequence: missense variant.
Genome position (GRCh38, 1-based): chr6:32,050,071, A>C on the plus strand (T>G on the coding strand, the complement: TNXB is on the minus strand). VCF-style: chr6-32050071-A-C. GRCh37 (hg19) VCF-style: chr6-32017848-A-C.
Other names: c.9360T>G, p.His3120Gln (NM_019105.8); short protein forms H3120Q, H3122Q.
Identifiers: ClinVar variation 1766686 (VCV001766686.2), dbSNP rs916138, ClinGen allele CA363540202.

ClinVar aggregate classification (germline): Uncertain significance (1 of 4 stars; one submission).

Conditions:
Cardiovascular phenotype. Identifiers: MedGen CN230736.

Submission:

Ambry Genetics
Classification: Uncertain significance for Cardiovascular phenotype. Last evaluated: 2022-08-03. Review status: criteria provided, single submitter. Criteria: Ambry Variant Classification Scheme 2023. Collection method: clinical testing. Allele origin: germline.
Comment: The p.H3120Q variant (also known as c.9360T>G), located in coding exon 26 of the TNXB gene, results from a T to G substitution at nucleotide position 9360. The histidine at codon 3120 is replaced by glutamine, an amino acid with highly similar properties. This amino acid position is conserved. In addition, this alteration is predicted to be tolerated by in silico analysis. Since supporting evidence is limited at this time, the clinical significance of this alteration remains unclear.